The following is an entry in ClinVar:

NM_000256.3(MYBPC3):c.2529G>C (p.Glu843Asp)

Gene: MYBPC3 (myosin binding protein C3; minus strand). Cytogenetic location: 11p11.2.
Variant type: single nucleotide variant.
Coding change: c.2529G>C on transcript NM_000256.3 (MANE Select); coding-DNA position 2529, G replaced by C.
Protein change: p.Glu843Asp; replaces glutamic acid 843 with aspartic acid.
Molecular consequence: missense variant.
Genome position (GRCh38, 1-based): chr11:47,337,464, C>G on the plus strand (G>C on the coding strand, the complement: MYBPC3 is on the minus strand). VCF-style: chr11-47337464-C-G. GRCh37 (hg19) VCF-style: chr11-47359015-C-G.
Other names: short protein forms E843D.
Identifiers: ClinVar variation 2830895 (VCV002830895.3), dbSNP rs2095883461, ClinGen allele CA380318182.
Genomic context (GRCh38, chr11:47,337,464, plus strand): 5'-GGGCTGGGAGGCAGGGCTGGGCCTGGACATGCCGATGGCGTTGACCGCGTAGACGCGCAT[C>G]TCGTACACCACGCCCTCGATCATGCGCCGCGCTTCATGACTCAGCTCCTGAATCAGGTCG-3'
Protein context (NP_000247.2, residues 833-853): ARRMIEGVVY[Glu843Asp]MRVYAVNAIG

ClinVar aggregate classification (germline): Uncertain significance (1 of 4 stars; one submission).

Conditions:
Hypertrophic cardiomyopathy. Also called: HYPERTROPHIC MYOCARDIOPATHY. Identifiers: Orphanet 217569, MedGen C0007194, MeSH D002312, MONDO:0005045, HP:0001639.

Submission:

Labcorp Genetics (formerly Invitae), Labcorp
Classification: Uncertain significance for Hypertrophic cardiomyopathy. Last evaluated: 2023-01-22. Review status: criteria provided, single submitter. Criteria: Invitae Variant Classification Sherloc (09022015). Collection method: clinical testing. Allele origin: germline.
Comment: This sequence change replaces glutamic acid, which is acidic and polar, with aspartic acid, which is acidic and polar, at codon 843 of the MYBPC3 protein (p.Glu843Asp). This variant is not present in population databases (gnomAD no frequency). In summary, the available evidence is currently insufficient to determine the role of this variant in disease. Therefore, it has been classified as a Variant of Uncertain Significance. Algorithms developed to predict the effect of missense changes on protein structure and function (SIFT, PolyPhen-2, Align-GVGD) all suggest that this variant is likely to be disruptive. This variant has not been reported in the literature in individuals affected with MYBPC3-related conditions.